The following is an entry in ClinVar:

ClinVar aggregate classification (germline): Benign/Likely benign. Review status: criteria provided, multiple submitters, no conflicts (2 of 4 stars). 4 submissions from 4 submitters: Benign (3); Likely benign (1). Last evaluated 2026-02-02.

Conditions:
Methylmalonic aciduria and homocystinuria type cblF. Also called: COBALAMIN F DISEASE; COBALAMIN, DEFECT IN LYSOSOMAL RELEASE OF; METHYLMALONIC ACIDEMIA AND HOMOCYSTINURIA, cblF TYPE; METHYLMALONIC ACIDURIA DUE TO VITAMIN B12-RELEASE DEFECT; VITAMIN B12 LYSOSOMAL RELEASE DEFECT; VITAMIN B12 STORAGE DISEASE. Identifiers: Orphanet 79284, MedGen C1848578, MONDO:0010183, OMIM 277380.

Allele frequency attached by ClinVar (database versions not stated): ExAC 0.00379; gnomAD 0.01046 and 0.01106; TOPMed 0.01141; 1000 Genomes Project 0.01198; ESP Exome Variant Server 0.01223; 1000 Genomes Project 30x 0.01359.
gnomAD v4.1: 3,219 of 1,613,524 alleles (0.2%); highest among the groups gnomAD compares: African/African-American, 3.8%; 71 homozygotes.

Submissions (4):

Labcorp Genetics (formerly Invitae), Labcorp
Classification: Benign for Methylmalonic aciduria and homocystinuria type cblF. Last evaluated: 2026-02-02. Review status: criteria provided, single submitter. Criteria: Invitae Variant Classification Sherloc (09022015). Collection method: clinical testing. Allele origin: germline.

Fulgent Genetics
Classification: Likely benign for Methylmalonic aciduria and homocystinuria type cblF. Last evaluated: 2021-10-08. Review status: criteria provided, single submitter. Criteria: ACMG Guidelines, 2015. Collection method: clinical testing. Allele origin: unknown.

Illumina Laboratory Services, Illumina
Classification: Benign for Methylmalonic aciduria and homocystinuria type cblF. Last evaluated: 2018-01-13. Review status: criteria provided, single submitter. Criteria: ICSL Variant Classification Criteria 13 December 2019. Collection method: clinical testing. Allele origin: germline.
Comment: This variant was observed in the ICSL laboratory as part of a predisposition screen in an ostensibly healthy population. It had not been previously curated by ICSL or reported in the Human Gene Mutation Database (HGMD: prior to June 1st, 2018), and was therefore a candidate for classification through an automated scoring system. Utilizing variant allele frequency, disease prevalence and penetrance estimates, and inheritance mode, an automated score was calculated to assess if this variant is too frequent to cause the disease. Based on the score and internal cut-off values, a variant classified as benign is not then subjected to further curation. The score for this variant resulted in a classification of benign for this disease.

GeneDx
Classification: Benign. Last evaluated: 2016-06-29. Review status: criteria provided, single submitter. Criteria: GeneDx Variant Classification (06012015). Collection method: clinical testing. Allele origin: germline. Affected: yes.
Comment: This variant is considered likely benign or benign based on one or more of the following criteria: it is a conservative change, it occurs at a poorly conserved position in the protein, it is predicted to be benign by multiple in silico algorithms, and/or has population frequency not consistent with disease.

NM_018368.4(LMBRD1):c.801C>T (p.Arg267=)

Gene: LMBRD1 (LMBR1 domain containing 1; minus strand). Cytogenetic location: 6q13.
Variant type: single nucleotide variant.
Coding change: c.801C>T on transcript NM_018368.4 (MANE Select); coding-DNA position 801, C replaced by T.
Protein change: p.Arg267=; no amino-acid change (arginine 267 retained).
Molecular consequence: synonymous variant.
Genome position (GRCh38, 1-based): chr6:69,713,759, G>A on the plus strand (C>T on the coding strand, the complement: LMBRD1 is on the minus strand). VCF-style: chr6-69713759-G-A. GRCh37 (hg19) VCF-style: chr6-70423651-G-A.
Other names: c.582C>T, p.Arg194= (NM_001363722.2, NM_001367271.1, NM_001367272.1).
Identifiers: ClinVar variation 357775 (VCV000357775.16), dbSNP rs34327883, ClinGen allele CA3879778.
Genomic context (GRCh38, chr6:69,713,759, plus strand): 5'-TTCTAAATGCCTCTCTCTCTTCTTAAGTGTTCGTAACCTTTCTTCAAATTGTTTTAAGGC[G>A]CGTTTATCCCTTGCTGGCAAAGGTCGACCATCTTTGCTCTGCAAATAACAGAACAAAATA-3'
Protein context (NP_060838.3, residues 257-277): DGRPLPARDK[Arg267=]ALKQFEERLR